The following is an entry in ClinVar:

ClinVar aggregate classification (germline): Uncertain significance (1 of 4 stars; one submission).

Conditions:
Hereditary cancer-predisposing syndrome. Also called: Neoplastic Syndromes, Hereditary; Tumor predisposition; Hereditary neoplastic syndrome; Hereditary Cancer Syndrome. Identifiers: Orphanet 140162, MedGen C0027672, MeSH D009386, MONDO:0015356.

gnomAD v4.1: 2 of 1,606,428 alleles (0.00012%); highest among the groups gnomAD compares: Admixed American, 0.0017%; no homozygotes.

Submission:

Ambry Genetics
Classification: Uncertain significance for Hereditary cancer-predisposing syndrome. Last evaluated: 2025-08-08. Review status: criteria provided, single submitter. Criteria: Ambry Variant Classification Scheme 2023. Collection method: clinical testing. Allele origin: germline.
Comment: The p.R4W variant (also known as c.10A>T), located in coding exon 1 of the CDKN2A (p14ARF) gene, results from an A to T substitution at nucleotide position 10. The arginine at codon 4 is replaced by tryptophan, an amino acid with dissimilar properties. This amino acid position is well conserved in available vertebrate species. In addition, the in silico prediction for this alteration is inconclusive. Based on the available evidence, the clinical significance of this variant remains unclear.

NM_058195.4(CDKN2A):c.10A>T (p.Arg4Trp)

Gene: CDKN2A (cyclin dependent kinase inhibitor 2A; minus strand). Cytogenetic location: 9p21.3.
Variant type: single nucleotide variant.
Coding change: c.10A>T on transcript NM_058195.4 (MANE Plus Clinical); coding-DNA position 10, A replaced by T.
Protein change: p.Arg4Trp; replaces arginine 4 with tryptophan.
Molecular consequence: missense variant. On other transcripts: intron variant (1).
Genome position (GRCh38, 1-based): chr9:21,994,322, T>A on the plus strand (A>T on the coding strand, the complement: CDKN2A is on the minus strand). VCF-style: chr9-21994322-T-A. GRCh37 (hg19) VCF-style: chr9-21994321-T-A.
Other names: c.-4+499A>T (NM_001363763.2); short protein forms R4W.
Identifiers: ClinVar variation 4224780 (VCV004224780.1).
Genomic context (GRCh38, chr9:21,994,322, plus strand): 5'-CGAAAACCCTCACTCGCGGCGGGCCGCACGCGCGCCGAATCCGGAGGGTCACCAAGAACC[T>A]GCGCACCATGTTCTCGCCGCCTCCAGGGCCGAGCTCGGCAGCCGCTGCGCCGCCCTTTGG-3'
Protein context (NP_478102.2, residues 1-14): MVR[Arg4Trp]FLVTLRIRRA